The following is an entry in ClinVar:

NM_003000.3(SDHB):c.451A>G (p.Lys151Glu)

Gene: SDHB (succinate dehydrogenase complex iron sulfur subunit B; minus strand). Cytogenetic location: 1p36.13.
Variant type: single nucleotide variant.
Coding change: c.451A>G on transcript NM_003000.3 (MANE Select); coding-DNA position 451, A replaced by G.
Protein change: p.Lys151Glu; replaces lysine 151 with glutamic acid.
Molecular consequence: missense variant.
Genome position (GRCh38, 1-based): chr1:17,027,838, T>C on the plus strand (A>G on the coding strand, the complement: SDHB is on the minus strand). VCF-style: chr1-17027838-T-C. GRCh37 (hg19) VCF-style: chr1-17354333-T-C.
Other names: short protein forms K151E.
Identifiers: ClinVar variation 1691533 (VCV001691533.5), dbSNP rs2101521808, ClinGen allele CA338273154.

ClinVar aggregate classification (germline): Uncertain significance. Review status: criteria provided, multiple submitters, no conflicts (2 of 4 stars). 2 submissions from 2 submitters: Uncertain significance (2). Last evaluated 2025-09-24.

Conditions:
Hereditary pheochromocytoma and paraganglioma. Also called: Hereditary pheochromocytoma-paraganglioma; Hereditary paragangliomas and pheochromocytomas; Hereditary Paraganglioma-Pheochromocytoma Syndromes. Identifiers: Orphanet 29072, MedGen C4274332, MONDO:0017366.
Hereditary cancer-predisposing syndrome. Also called: Neoplastic Syndromes, Hereditary; Tumor predisposition; Hereditary Cancer Syndrome; Hereditary neoplastic syndrome. Identifiers: Orphanet 140162, MedGen C0027672, MeSH D009386, MONDO:0015356.

Submissions (2):

Ambry Genetics
Classification: Uncertain significance for Hereditary cancer-predisposing syndrome. Last evaluated: 2025-09-24. Review status: criteria provided, single submitter. Criteria: Ambry Variant Classification Scheme 2023. Collection method: clinical testing. Allele origin: germline.
Comment: The p.K151E variant (also known as c.451A>G), located in coding exon 5 of the SDHB gene, results from an A to G substitution at nucleotide position 451. The lysine at codon 151 is replaced by glutamic acid, an amino acid with similar properties. This amino acid position is highly conserved in available vertebrate species. In addition, this alteration is predicted to be deleterious by in silico analysis. Based on the available evidence, the clinical significance of this variant remains unclear.

St. Jude Molecular Pathology, St. Jude Children's Research Hospital
Classification: Uncertain significance for Hereditary pheochromocytoma and paraganglioma. Last evaluated: 2022-03-17. Review status: criteria provided, single submitter. Criteria: St. Jude Assertion Criteria 2020. Collection method: clinical testing. Allele origin: germline.
Comment: The SDHB c.451A>G (p.Lys151Glu) missense change is absent in gnomAD v2.1.1 (PM2_supporting). Five of seven in silico tools predict a deleterious effect of this variant on protein function (PP3), but to our knowledge these predictions have not been confirmed by functional assays. To our knowledge, this variant has not been reported in individuals with hereditary paraganglioma-pheochromocytoma. In summary, this variant meets criteria to be classified as of uncertain significance based on the ACMG/AMP criteria: PM2_supporting, PP3.